The following is an entry in ClinVar:

ClinVar aggregate classification (germline): Pathogenic/Likely pathogenic. Review status: criteria provided, multiple submitters, no conflicts (2 of 4 stars). 4 submissions from 4 submitters: Pathogenic (1); Likely pathogenic (2). 1 of the submissions does not count toward it. Last evaluated 2023-12-01.

Conditions:
Nemaline myopathy 2 (NEM2). Also called: Nemaline myopathy 2, autosomal recessive. Identifiers: MedGen C1850569, MONDO:0009725, OMIM 256030.
Arthrogryposis multiplex congenita 6. Identifiers: MedGen C5543431, MONDO:0030281, OMIM 619334.

Allele frequency attached by ClinVar (database versions not stated): gnomAD exomes below 0.00001.
gnomAD v4.1: 1 of 1,602,510 alleles (0.000062%); highest among the groups gnomAD compares: Non-Finnish European, 0.000085%; no homozygotes.

Submissions (4):

Baylor Genetics
Classification: Likely pathogenic for Arthrogryposis multiplex congenita 6. Last evaluated: 2023-12-01. Review status: criteria provided, single submitter. Criteria: ACMG Guidelines, 2015. Collection method: clinical testing. Allele origin: unknown.

Labcorp Genetics (formerly Invitae), Labcorp
Classification: Likely pathogenic for Nemaline myopathy 2. Last evaluated: 2023-10-18. Review status: criteria provided, single submitter. Criteria: Invitae Variant Classification Sherloc (09022015). Collection method: clinical testing. Allele origin: germline.
Comment: This sequence change affects an acceptor splice site in intron 17 of the NEB gene. It is expected to disrupt RNA splicing. Variants that disrupt the donor or acceptor splice site typically lead to a loss of protein function (PMID: 16199547), and loss-of-function variants in NEB are known to be pathogenic (PMID: 25205138). This variant is not present in population databases (gnomAD no frequency). This variant has not been reported in the literature in individuals affected with NEB-related conditions. ClinVar contains an entry for this variant (Variation ID: 558305). Algorithms developed to predict the effect of sequence changes on RNA splicing suggest that this variant may disrupt the consensus splice site. In summary, the currently available evidence indicates that the variant is pathogenic, but additional data are needed to prove that conclusively. Therefore, this variant has been classified as Likely Pathogenic.

Eurofins Ntd Llc (ga)
Classification: Pathogenic. Last evaluated: 2017-09-29. Review status: criteria provided, single submitter. Criteria: EGL Classification Definitions 2015. Collection method: clinical testing. Allele origin: germline. Observed: 1 variant allele, 1 heterozygote.

Counsyl
Classification: Likely pathogenic for Nemaline myopathy 2. Last evaluated: 2018-05-10. Review status: no assertion criteria provided. Collection method: clinical testing. Allele origin: unknown. Not counted in ClinVar's aggregate classification.

Literature cited by the submitters: PubMed 16199547 (cited by Labcorp Genetics (formerly Invitae), Labcorp); PubMed 25205138 (cited by Labcorp Genetics (formerly Invitae), Labcorp).

NM_001164508.2(NEB):c.1570-2A>G

Gene: NEB (nebulin; minus strand). Cytogenetic location: 2q23.3.
Variant type: single nucleotide variant.
Coding change: c.1570-2A>G on transcript NM_001164508.2 (MANE Select); the canonical splice acceptor site of the intron before coding-DNA position 1570, A replaced by G.
Molecular consequence: splice acceptor variant.
Genome position (GRCh38, 1-based): chr2:151,695,684, T>C on the plus strand (A>G on the coding strand, the complement: NEB is on the minus strand). VCF-style: chr2-151695684-T-C. GRCh37 (hg19) VCF-style: chr2-152552198-T-C.
Other names: c.1570-2A>G (NM_004543.5, NM_001164507.2, NM_001271208.2).
Identifiers: ClinVar variation 558305 (VCV000558305.11), dbSNP rs1553603958, ClinGen allele CA348825053.
Genomic context (GRCh38, chr2:151,695,684, plus strand): 5'-GTATCAGGGGGGATATGGCACTTGAACTTTTCACTTTCATGTTTTGCTTTGTAATTTAAC[T>C]ATGACAGAGAGAGAACCAATTAGTTCAGAAGAATTGTTCCAGAATACAAAAATTCTTGTG-3'